The following is an entry in ClinVar:

NM_144997.7(FLCN):c.152G>T (p.Gly51Val)

Gene: FLCN (folliculin; minus strand). Cytogenetic location: 17p11.2.
Variant type: single nucleotide variant.
Coding change: c.152G>T on transcript NM_144997.7 (MANE Select); coding-DNA position 152, G replaced by T.
Protein change: p.Gly51Val; replaces glycine 51 with valine.
Molecular consequence: missense variant.
Genome position (GRCh38, 1-based): chr17:17,227,986, C>A on the plus strand (G>T on the coding strand, the complement: FLCN is on the minus strand). VCF-style: chr17-17227986-C-A. GRCh37 (hg19) VCF-style: chr17-17131300-C-A.
Other names: c.152G>T, p.Gly51Val (NM_001353229.2, NM_001353230.2, NM_001353231.2 and 1 more transcripts); short protein forms G51V.
Identifiers: ClinVar variation 2586498 (VCV002586498.2), dbSNP rs2145044590, ClinGen allele CA398535215.

ClinVar aggregate classification (germline): Uncertain significance (1 of 4 stars; one submission).

Conditions:
Hereditary cancer-predisposing syndrome. Also called: Hereditary neoplastic syndrome; Tumor predisposition; Hereditary Cancer Syndrome; Neoplastic Syndromes, Hereditary. Identifiers: Orphanet 140162, MedGen C0027672, MeSH D009386, MONDO:0015356.

Allele frequency attached by ClinVar (database versions not stated): gnomAD exomes below 0.00001.
gnomAD v4.1: 1 of 1,614,142 alleles (0.000062%); highest among the groups gnomAD compares: Non-Finnish European, 0.000085%; no homozygotes.

Submission:

Ambry Genetics
Classification: Uncertain significance for Hereditary cancer-predisposing syndrome. Last evaluated: 2023-07-25. Review status: criteria provided, single submitter. Criteria: Ambry Variant Classification Scheme 2023. Collection method: clinical testing. Allele origin: germline.
Comment: The p.G51V variant (also known as c.152G>T), located in coding exon 1 of the FLCN gene, results from a G to T substitution at nucleotide position 152. The glycine at codon 51 is replaced by valine, an amino acid with dissimilar properties. This amino acid position is conserved. In addition, this alteration is predicted to be deleterious by in silico analysis. Since supporting evidence is limited at this time, the clinical significance of this alteration remains unclear.